The following is an entry in ClinVar:

ClinVar aggregate classification (germline): Likely benign (0 of 4 stars; one submission).

Conditions:
HLA-B-related disorder. Also called: HLA-B-related condition.

Allele frequency attached by ClinVar (database versions not stated): ESP Exome Variant Server 0.18348.

Submission:

PreventionGenetics, part of Exact Sciences
Classification: Likely benign for HLA-B-related condition. Last evaluated: 2020-12-17. Review status: no assertion criteria provided. Collection method: clinical testing. Allele origin: germline.
Comment: This variant is classified as likely benign based on ACMG/AMP sequence variant interpretation guidelines (Richards et al. 2015 PMID: 25741868, with internal and published modifications).

NM_005514.8(HLA-B):c.319_320insCC (p.Gly107fs)

Gene: HLA-B (major histocompatibility complex, class I, B; minus strand). Cytogenetic location: 6p21.33.
Variant type: Insertion.
Coding change: c.319_320insCC on transcript NM_005514.8 (MANE Select); coding-DNA positions 319 to 320, CC inserted.
Protein change: p.Gly107fs; shifts the reading frame from glycine 107.
Molecular consequence: frameshift variant.
Genome position: GRCh38 VCF-style: chr6-31356711-C-CGG. GRCh37 (hg19) VCF-style: chr6-31324488-C-CGG.
Other names: short protein forms G107fs.
Identifiers: ClinVar variation 3055858 (VCV003055858.2), dbSNP rs375356947, ClinGen allele CA3711709.